The following is an entry in ClinVar:

ClinVar aggregate classification (germline): Uncertain significance (1 of 4 stars; one submission).

Submission:

Labcorp Genetics (formerly Invitae), Labcorp
Classification: Uncertain significance. Last evaluated: 2023-08-10. Review status: criteria provided, single submitter. Criteria: Invitae Variant Classification Sherloc (09022015). Collection method: clinical testing. Allele origin: germline.
Comment: In summary, the available evidence is currently insufficient to determine the role of this variant in disease. Therefore, it has been classified as a Variant of Uncertain Significance. An algorithm developed to predict the effect of missense changes on protein structure and function (PolyPhen-2) suggests that this variant is likely to be disruptive. ClinVar contains an entry for this variant (Variation ID: 1373501). This variant has not been reported in the literature in individuals affected with ACACA-related conditions. This variant is not present in population databases (gnomAD no frequency). This sequence change replaces glycine, which is neutral and non-polar, with arginine, which is basic and polar, at codon 114 of the ACACA protein (p.Gly114Arg).

NM_198834.3(ACACA):c.451G>A (p.Gly151Arg)

Gene: ACACA (acetyl-CoA carboxylase alpha; minus strand). Cytogenetic location: 17q12.
Variant type: single nucleotide variant.
Coding change: c.451G>A on transcript NM_198834.3 (MANE Select); coding-DNA position 451, G replaced by A.
Protein change: p.Gly151Arg; replaces glycine 151 with arginine.
Molecular consequence: missense variant.
Genome position (GRCh38, 1-based): chr17:37,284,858, C>T on the plus strand (G>A on the coding strand, the complement: ACACA is on the minus strand). VCF-style: chr17-37284858-C-T. GRCh37 (hg19) VCF-style: chr17-35641759-C-T.
Other names: c.340G>A, p.Gly114Arg (NM_198836.3, NM_198839.3); c.166G>A, p.Gly56Arg (NM_198837.2); c.106G>A, p.Gly36Arg (NM_198838.2); short protein forms G151R, G56R, G114R, G36R.
Identifiers: ClinVar variation 1373501 (VCV001373501.6), dbSNP rs2146611168, ClinGen allele CA398758019.